The following is an entry in ClinVar:

NM_017617.5(NOTCH1):c.4363C>T (p.Gln1455Ter)

Gene: NOTCH1 (notch receptor 1; minus strand). Cytogenetic location: 9q34.3.
Variant type: single nucleotide variant.
Coding change: c.4363C>T on transcript NM_017617.5 (MANE Select); coding-DNA position 4363, C replaced by T.
Protein change: p.Gln1455Ter; replaces glutamine 1455 with a stop codon.
Molecular consequence: nonsense.
Genome position (GRCh38, 1-based): chr9:136,505,533, G>A on the plus strand (C>T on the coding strand, the complement: NOTCH1 is on the minus strand). VCF-style: chr9-136505533-G-A. GRCh37 (hg19) VCF-style: chr9-139399985-G-A.
Other names: short protein forms Q1455*.
Identifiers: ClinVar variation 1072334 (VCV001072334.7), dbSNP rs2133339552, ClinGen allele CA375648017.
Genomic context (GRCh38, chr9:136,505,533, plus strand): 5'-CCCAGCCGCACGCGTGGTTGTTGCACTGCAGGCTGCAGACCTTGTTGCCCGCGTCCTCCT[G>A]GCACTCGGGCAGCTCGCACGCCTCCTCGATCAGCGGCGGGGGGATGTCGCGCCCGGCCCC-3'

ClinVar aggregate classification (germline): Pathogenic (1 of 4 stars; one submission).

Conditions:
Adams-Oliver syndrome 5 (AOS5). Identifiers: Orphanet 974, MedGen C4014970, MONDO:0014459, OMIM 616028.

Submission:

Labcorp Genetics (formerly Invitae), Labcorp
Classification: Pathogenic for Adams-Oliver syndrome 5. Last evaluated: 2020-09-29. Review status: criteria provided, single submitter. Criteria: Invitae Variant Classification Sherloc (09022015). Collection method: clinical testing. Allele origin: germline.
Comment: For these reasons, this variant has been classified as Pathogenic. Loss-of-function variants in NOTCH1 are known to be pathogenic (PMID: 16025100, 21457232, 25132448, 25963545). This variant has not been reported in the literature in individuals with NOTCH1-related conditions. This variant is not present in population databases (ExAC no frequency). This sequence change creates a premature translational stop signal (p.Gln1455*) in the NOTCH1 gene. It is expected to result in an absent or disrupted protein product.

Literature cited by the submitters: PubMed 16025100; PubMed 21457232; PubMed 25132448; PubMed 25963545.